The following is an entry in ClinVar:

ClinVar aggregate classification (germline): Benign (0 of 4 stars; one submission).

Conditions:
NRP2-related disorder. Also called: NRP2-related condition.

Submission:

PreventionGenetics, part of Exact Sciences
Classification: Benign for NRP2-related condition. Last evaluated: 2024-08-19. Review status: no assertion criteria provided. Collection method: clinical testing. Allele origin: germline.
Comment: This variant is classified as benign based on ACMG/AMP sequence variant interpretation guidelines (Richards et al. 2015 PMID: 25741868, with internal and published modifications).

NM_003872.3(NRP2):c.2425+9714_2425+9717del

Gene: NRP2 (neuropilin 2; plus strand). Cytogenetic location: 2q33.3.
Variant type: Deletion.
Coding change: c.2425+9714_2425+9717del on transcript NM_003872.3 (MANE Select); bases 9714 to 9717 of the intron after coding-DNA position 2425, 4 bases deleted (GCAC; older notation c.2425+9714_2425+9717delGCAC).
Molecular consequence: intron variant. On other transcripts: frameshift variant (2).
Genome position (GRCh38, 1-based): chr2:205,776,517-205,776,520, GCAC deleted; deleting any 4 consecutive bases within chr2:205,776,516-205,776,520 gives the same sequence; the c. name uses the placement nearest the transcript's 3' end. VCF-style (leftmost placement, unchanged base first): chr2-205776515-TCGCA-T. GRCh37 (hg19) VCF-style: chr2-206641239-TCGCA-T.
Other names: c.2712_2715del, p.His905fs (NM_018534.4); c.2697_2700del, p.His900fs (NM_201267.2); c.2440+9699_2440+9702del (NM_201266.2); c.2425+9714_2425+9717del (NM_201279.2); short protein forms H900fs, H905fs.
Identifiers: ClinVar variation 3056630 (VCV003056630.2), dbSNP rs527478913, ClinGen allele CA2069545.